The following is an entry in ClinVar:

NM_001367561.1(DOCK7):c.4609A>G (p.Lys1537Glu)

Gene: DOCK7 (dedicator of cytokinesis 7; minus strand). Cytogenetic location: 1p31.3.
Variant type: single nucleotide variant.
Coding change: c.4609A>G on transcript NM_001367561.1 (MANE Select); coding-DNA position 4609, A replaced by G.
Protein change: p.Lys1537Glu; replaces lysine 1537 with glutamic acid.
Molecular consequence: missense variant.
Genome position (GRCh38, 1-based): chr1:62,505,684, T>C on the plus strand (A>G on the coding strand, the complement: DOCK7 is on the minus strand). VCF-style: chr1-62505684-T-C. GRCh37 (hg19) VCF-style: chr1-62971355-T-C.
Other names: c.4582A>G, p.Lys1528Glu (NM_001271999.2, NM_001330614.2); c.4489A>G, p.Lys1497Glu (NM_001272000.2, NM_001272001.2); c.4516A>G, p.Lys1506Glu (NM_033407.4); short protein forms K1528E, K1497E, K1506E, K1537E.
Identifiers: ClinVar variation 1979028 (VCV001979028.4), dbSNP rs771441414, ClinGen allele CA885664.

ClinVar aggregate classification (germline): Uncertain significance (1 of 4 stars; one submission).

Conditions:
Developmental and epileptic encephalopathy, 23 (DEE23). Also called: Epileptic encephalopathy, early infantile, 23. Identifiers: Orphanet 411986, MedGen C4014492, MONDO:0014371, OMIM 615859.

Allele frequency attached by ClinVar (database versions not stated): TOPMed below 0.00001; gnomAD exomes 0.00001; ExAC 0.00002.
gnomAD v4.1: 10 of 1,604,334 alleles (0.00062%); highest among the groups gnomAD compares: Non-Finnish European, 0.00085%; no homozygotes.

Submission:

Labcorp Genetics (formerly Invitae), Labcorp
Classification: Uncertain significance for Developmental and epileptic encephalopathy, 23. Last evaluated: 2022-01-28. Review status: criteria provided, single submitter. Criteria: Invitae Variant Classification Sherloc (09022015). Collection method: clinical testing. Allele origin: germline.
Comment: In summary, the available evidence is currently insufficient to determine the role of this variant in disease. Therefore, it has been classified as a Variant of Uncertain Significance. Algorithms developed to predict the effect of missense changes on protein structure and function (SIFT, PolyPhen-2, Align-GVGD) all suggest that this variant is likely to be disruptive. This variant has not been reported in the literature in individuals affected with DOCK7-related conditions. This variant is present in population databases (rs771441414, gnomAD 0.002%). This sequence change replaces lysine, which is basic and polar, with glutamic acid, which is acidic and polar, at codon 1528 of the DOCK7 protein (p.Lys1528Glu).